The following is an entry in ClinVar:

NM_000455.5(STK11):c.274G>A (p.Glu92Lys)

Gene: STK11 (serine/threonine kinase 11; plus strand). Cytogenetic location: 19p13.3.
Variant type: single nucleotide variant.
Coding change: c.274G>A on transcript NM_000455.5 (MANE Select); coding-DNA position 274, G replaced by A.
Protein change: p.Glu92Lys; replaces glutamic acid 92 with lysine.
Molecular consequence: missense variant.
Genome position (GRCh38, 1-based): chr19:1,207,187, G>A. VCF-style: chr19-1207187-G-A. GRCh37 (hg19) VCF-style: chr19-1207186-G-A.
Other names: c.274G>A (NM_000455.4); short protein forms E92K.
Identifiers: ClinVar variation 1053290 (VCV001053290.10), dbSNP rs2145405963, ClinGen allele CA402944594.
Genomic context (GRCh38, chr19:1,207,187, plus strand): 5'-CTGTGCAGGAGGGCCGTCAAGATCCTCAAGAAGAAGAAGTTGCGAAGGATCCCCAACGGG[G>A]AGGCCAACGTGAAGAAGTAAGTATGGCTTGCTGGGGTCGGGGCCGGGCCGGGCCAGTCAC-3'
Protein context (NP_000446.1, residues 82-102): KKKLRRIPNG[Glu92Lys]ANVKKEIQLL

ClinVar aggregate classification (germline): Uncertain significance. Review status: criteria provided, multiple submitters, no conflicts (2 of 4 stars). 2 submissions from 2 submitters: Uncertain significance (2). Last evaluated 2025-05-18.

Conditions:
Hereditary cancer-predisposing syndrome. Also called: Hereditary Cancer Syndrome; Tumor predisposition; Hereditary neoplastic syndrome; Neoplastic Syndromes, Hereditary. Identifiers: Orphanet 140162, MedGen C0027672, MeSH D009386, MONDO:0015356.
Peutz-Jeghers syndrome (PJS). Also called: POLYPOSIS, HAMARTOMATOUS INTESTINAL; POLYPS-AND-SPOTS SYNDROME; Peutz-Jeghers polyposis; Periorificial lentiginosis syndrome. Identifiers: Orphanet 2869, MedGen C0031269, MeSH D010580, MONDO:0008280, OMIM 175200.

Submissions (2):

Ambry Genetics
Classification: Uncertain significance for Hereditary cancer-predisposing syndrome. Last evaluated: 2025-05-18. Review status: criteria provided, single submitter. Criteria: Ambry Variant Classification Scheme 2023. Collection method: clinical testing. Allele origin: germline.
Comment: The p.E92K variant (also known as c.274G>A), located in coding exon 1 of the STK11 gene, results from a G to A substitution at nucleotide position 274. The glutamic acid at codon 92 is replaced by lysine, an amino acid with similar properties. This amino acid position is conserved. In addition, the in silico prediction for this alteration is inconclusive. Based on the available evidence, the clinical significance of this variant remains unclear.

Labcorp Genetics (formerly Invitae), Labcorp
Classification: Uncertain significance for Peutz-Jeghers syndrome. Last evaluated: 2020-07-20. Review status: criteria provided, single submitter. Criteria: Invitae Variant Classification Sherloc (09022015). Collection method: clinical testing. Allele origin: germline.
Comment: This variant is not present in population databases (ExAC no frequency). This variant has not been reported in the literature in individuals with STK11-related conditions. Advanced modeling of protein sequence and biophysical properties (such as structural, functional, and spatial information, amino acid conservation, physicochemical variation, residue mobility, and thermodynamic stability) performed at Invitae indicates that this missense variant is expected to disrupt STK11 protein function. In summary, the available evidence is currently insufficient to determine the role of this variant in disease. Therefore, it has been classified as a Variant of Uncertain Significance. This sequence change replaces glutamic acid with lysine at codon 92 of the STK11 protein (p.Glu92Lys). The glutamic acid residue is highly conserved and there is a small physicochemical difference between glutamic acid and lysine.